The following is an entry in ClinVar:

NM_001202.6(BMP4):c.451G>A (p.Glu151Lys)

Gene: BMP4 (bone morphogenetic protein 4; minus strand). Cytogenetic location: 14q22.2.
Variant type: single nucleotide variant.
Coding change: c.451G>A on transcript NM_001202.6 (MANE Select); coding-DNA position 451, G replaced by A.
Protein change: p.Glu151Lys; replaces glutamic acid 151 with lysine.
Molecular consequence: missense variant.
Genome position (GRCh38, 1-based): chr14:53,950,808, C>T on the plus strand (G>A on the coding strand, the complement: BMP4 is on the minus strand). VCF-style: chr14-53950808-C-T. GRCh37 (hg19) VCF-style: chr14-54417526-C-T.
Other names: c.262G>A, p.Glu88Lys (NM_001347917.1, NM_001347913.2, NM_001347915.2); c.451G>A, p.Glu151Lys (NM_130850.5, NM_130851.4, NM_001347914.2 and 1 more transcripts); c.592G>A, p.Glu198Lys (NM_001347912.1); short protein forms E198K, E151K, E88K.
Identifiers: ClinVar variation 1998403 (VCV001998403.4), dbSNP rs2502584260, ClinGen allele CA389784672.
Genomic context (GRCh38, chr14:53,950,808, plus strand): 5'-AATCAGGGCCCTGGTCCACCTGCTCCCGGAAGAGCCGAAGCTCTGCAGAGGAGATCACCT[C>T]GTTCTCAGGGATGCTGCTGAGGTTAAAGAGGAAACGAAAAGCAGAGTTTTCACTGGTCCC-3'
Protein context (NP_001193.2, residues 141-161): LFNLSSIPEN[Glu151Lys]VISSAELRLF

ClinVar aggregate classification (germline): Uncertain significance (1 of 4 stars; one submission).

Conditions:
Orofacial cleft 11 (OFC11). Also called: CLEFT LIP WITH OR WITHOUT CLEFT PALATE, NONSYNDROMIC, 11; Orofacial cleft 11; ofc11. Identifiers: MedGen C2677434, MONDO:0010906, OMIM 600625.
Microphthalmia with brain and digit anomalies (MCOPS6). Also called: MICROPHTHALMIA AND PITUITARY ANOMALIES; Microphthalmia, syndromic 6. Identifiers: Orphanet 139471, MedGen C1864689, MONDO:0011936, OMIM 607932.

Submission:

Labcorp Genetics (formerly Invitae), Labcorp
Classification: Uncertain significance for Microphthalmia with brain and digit anomalies; Orofacial cleft 11. Last evaluated: 2022-05-26. Review status: criteria provided, single submitter. Criteria: Invitae Variant Classification Sherloc (09022015). Collection method: clinical testing. Allele origin: germline.
Comment: This sequence change replaces glutamic acid, which is acidic and polar, with lysine, which is basic and polar, at codon 151 of the BMP4 protein (p.Glu151Lys). In summary, the available evidence is currently insufficient to determine the role of this variant in disease. Therefore, it has been classified as a Variant of Uncertain Significance. Algorithms developed to predict the effect of missense changes on protein structure and function (SIFT, PolyPhen-2, Align-GVGD) all suggest that this variant is likely to be disruptive. This variant has not been reported in the literature in individuals affected with BMP4-related conditions. This variant is not present in population databases (gnomAD no frequency).